The following is an entry in ClinVar:

ClinVar aggregate classification (germline): Conflicting classifications of pathogenicity. Review status: criteria provided, conflicting classifications (1 of 4 stars). 5 submissions from 5 submitters: Uncertain significance (4); Benign (1). Last evaluated 2026-03-25.

Conditions:
Familial thoracic aortic aneurysm and aortic dissection (TAAD). Also called: Thoracic aortic aneurysms and dissections. Identifiers: Orphanet 91387, MedGen C4707243, MONDO:0019625.
Frontometaphyseal dysplasia (FMD1). Identifiers: Orphanet 1826, MedGen C0265293, MONDO:0015942.
Heterotopia, periventricular, X-linked dominant (PVNH1). Also called: X-linked periventricular heterotopia; PERIVENTRICULAR NODULAR HETEROTOPIA 4; HETEROTOPIA, PERIVENTRICULAR, 1; PERIVENTRICULAR NODULAR HETEROTOPIA 1. Identifiers: Orphanet 2149, Orphanet 82004, MedGen C1848213, MONDO:0010233, OMIM 300049.
Melnick-Needles syndrome (MNS). Also called: Melnick-Needles Syndrome (FLNA-MNS); MELNICK-NEEDLES OSTEODYSPLASTY; OSTEODYSPLASTY OF MELNICK AND NEEDLES. Identifiers: Orphanet 2484, MedGen C0025237, MONDO:0010650, OMIM 309350.
Oto-palato-digital syndrome, type II (OPD2). Also called: Otopalatodigital Syndrome Type 2 (FLNA-OPD2); Otopalatodigital Syndrome, Type II; FACIOPALATOOSSEOUS SYNDROME; OPD II SYNDROME. Identifiers: Orphanet 669, Orphanet 90652, MedGen C1844696, MONDO:0010571, OMIM 304120.

Allele frequency attached by ClinVar (database versions not stated): gnomAD exomes 0.00001 and 0.00002; ExAC 0.00003; TOPMed 0.00005; gnomAD 0.00006.
gnomAD v4.1: 19 of 1,210,461 alleles (0.0016%); highest among the groups gnomAD compares: African/African-American, 0.0087%; no homozygotes.

Submissions (5):

GeneDx
Classification: Uncertain significance. Last evaluated: 2026-03-25. Review status: criteria provided, single submitter. Criteria: GeneDx Variant Classification Process June 2021. Collection method: clinical testing. Allele origin: germline.
Comment: In silico analysis supports that this missense variant has a deleterious effect on protein structure/function; Has not been previously published as pathogenic or benign to our knowledge

Labcorp Genetics (formerly Invitae), Labcorp
Classification: Benign for Oto-palato-digital syndrome, type II; Heterotopia, periventricular, X-linked dominant; Frontometaphyseal dysplasia; Melnick-Needles syndrome. Last evaluated: 2025-10-22. Review status: criteria provided, single submitter. Criteria: Invitae Variant Classification Sherloc (09022015). Collection method: clinical testing. Allele origin: germline.

Ambry Genetics
Classification: Uncertain significance for Familial thoracic aortic aneurysm and aortic dissection. Last evaluated: 2025-10-15. Review status: criteria provided, single submitter. Criteria: Ambry Variant Classification Scheme 2023. Collection method: clinical testing. Allele origin: germline.
Comment: The p.Y2069C variant (also known as c.6206A>G), located in coding exon 37 of the FLNA gene, results from an A to G substitution at nucleotide position 6206. The tyrosine at codon 2069 is replaced by cysteine, an amino acid with highly dissimilar properties. This variant was reported in individual(s) with features consistent with global developmental delay (Shchubelka K et al. J Neurodev Disord, 2024 Mar;16:13). Based on data from gnomAD, the G allele has an overall frequency of <0.01% (7/203318) total alleles studied, with 4 hemizygote(s) observed. The highest observed frequency was 0.016% (3/18321) of African alleles. This amino acid position is highly conserved in available vertebrate species. In addition, this alteration is predicted to be deleterious by in silico analysis. Based on the available evidence, the clinical significance of this variant remains unclear.

Women's Health and Genetics/Laboratory Corporation of America, LabCorp
Classification: Uncertain significance. Last evaluated: 2025-05-08. Review status: criteria provided, single submitter. Criteria: LabCorp Variant Classification Summary - May 2015. Collection method: clinical testing. Allele origin: germline.
Comment: Variant summary: FLNA c.6230A>G (p.Tyr2077Cys) results in a non-conservative amino acid change in the encoded protein sequence. Algorithms developed to predict the effect of missense changes on protein structure and function all suggest that this variant is likely to be disruptive. The variant allele was found at a frequency of 1.7e-05 in 181386 control chromosomes. The available data on variant occurrences in the general population are insufficient to allow any conclusion about variant significance. To our knowledge, no occurrence of c.6230A>G in individuals affected with Periventricular Nodular Heterotopia 1 and no experimental evidence demonstrating its impact on protein function have been reported. ClinVar contains an entry for this variant (Variation ID: 618132). Based on the evidence outlined above, the variant was classified as uncertain significance.

ARUP Laboratories, Molecular Genetics and Genomics, ARUP Laboratories
Classification: Uncertain significance. Last evaluated: 2017-06-07. Review status: criteria provided, single submitter. Criteria: ARUP Molecular Germline Variant Investigation Process. Collection method: clinical testing. Allele origin: germline.
Comment: The p.Tyr2069Cys variant (rs781860863) has not been reported in the medical literature, is not listed in gene-specific variant databases, nor has it been previously identified in our laboratory. It is listed in the Genome Aggregation Database (gnomAD) browser with a frequency in African populations of 0.016% (identified in 3 out of 13,198 chromosomes, all three of which were found in hemizygous individuals). The tyrosine at codon 2069 is highly conserved considering 10 species up to Tetraodon (Alamut software v2.9), and computational analyses suggest this variant has a significant effect on FLNA protein structure/function (SIFT: damaging, PolyPhen2: possibly damaging, and Mutation Taster: disease causing). However, based on the available information, the clinical significance of the p.Tyr2069Cys variant cannot be determined with certainty.

Literature cited by the submitters: PubMed 38539105 (cited by Ambry Genetics).

NM_001110556.2(FLNA):c.6230A>G (p.Tyr2077Cys)

Gene: FLNA (filamin A; minus strand). Cytogenetic location: Xq28.
Variant type: single nucleotide variant.
Coding change: c.6230A>G on transcript NM_001110556.2 (MANE Select); coding-DNA position 6230, A replaced by G.
Protein change: p.Tyr2077Cys; replaces tyrosine 2077 with cysteine.
Molecular consequence: missense variant.
Genome position (GRCh38, 1-based): chrX:154,352,921, T>C on the plus strand (A>G on the coding strand, the complement: FLNA is on the minus strand). VCF-style: chrX-154352921-T-C. GRCh37 (hg19) VCF-style: chrX-153581289-T-C.
Other names: c.6206A>G, p.Tyr2069Cys (NM_001456.4); short protein forms Y2069C, Y2077C.
Identifiers: ClinVar variation 618132 (VCV000618132.20), dbSNP rs781860863, ClinGen allele CA10560131.